The following is an entry in ClinVar:

ClinVar aggregate classification (germline): Uncertain significance (1 of 4 stars; one submission).

Conditions:
Catecholaminergic polymorphic ventricular tachycardia 1. Also called: RYR2-Related Catecholaminergic Polymorphic Ventricular Tachycardia; VENTRICULAR TACHYCARDIA, STRESS-INDUCED POLYMORPHIC 1; VENTRICULAR TACHYCARDIA, CATECHOLAMINERGIC POLYMORPHIC, 1, WITH OR WITHOUT ATRIAL DYSFUNCTION AND/OR DILATED CARDIOMYOPATHY. Identifiers: Orphanet 3286, MedGen C1631597, MONDO:0011484, OMIM 604772.

Submission:

Labcorp Genetics (formerly Invitae), Labcorp
Classification: Uncertain significance for Catecholaminergic polymorphic ventricular tachycardia 1. Last evaluated: 2024-03-04. Review status: criteria provided, single submitter. Criteria: Invitae Variant Classification Sherloc (09022015). Collection method: clinical testing. Allele origin: germline.
Comment: This sequence change replaces serine, which is neutral and polar, with arginine, which is basic and polar, at codon 3497 of the RYR2 protein (p.Ser3497Arg). This variant is not present in population databases (gnomAD no frequency). This variant has not been reported in the literature in individuals affected with RYR2-related conditions. Advanced modeling of protein sequence and biophysical properties (such as structural, functional, and spatial information, amino acid conservation, physicochemical variation, residue mobility, and thermodynamic stability) performed at Invitae indicates that this missense variant is not expected to disrupt RYR2 protein function with a negative predictive value of 95%. In summary, the available evidence is currently insufficient to determine the role of this variant in disease. Therefore, it has been classified as a Variant of Uncertain Significance.

NM_001035.3(RYR2):c.10491C>G (p.Ser3497Arg)

Gene: RYR2 (ryanodine receptor 2; plus strand). Cytogenetic location: 1q43.
Variant type: single nucleotide variant.
Coding change: c.10491C>G on transcript NM_001035.3 (MANE Select); coding-DNA position 10491, C replaced by G.
Protein change: p.Ser3497Arg; replaces serine 3497 with arginine.
Molecular consequence: missense variant.
Genome position (GRCh38, 1-based): chr1:237,717,365, C>G. VCF-style: chr1-237717365-C-G. GRCh37 (hg19) VCF-style: chr1-237880665-C-G.
Other names: short protein forms S3497R.
Identifiers: ClinVar variation 2994881 (VCV002994881.3), dbSNP rs2547452688, ClinGen allele CA345414945.